The following is an entry in ClinVar:

ClinVar aggregate classification (germline): Uncertain significance (1 of 4 stars; one submission).

Allele frequency attached by ClinVar (database versions not stated): gnomAD exomes below 0.00001.
gnomAD v4.1: 1 of 1,613,908 alleles (0.000062%); highest among the groups gnomAD compares: Non-Finnish European, 0.000085%; no homozygotes.

Submission:

GeneDx
Classification: Uncertain significance. Last evaluated: 2019-04-15. Review status: criteria provided, single submitter. Criteria: GeneDx Variant Classification Process June 2021. Collection method: clinical testing. Allele origin: germline. Affected: yes.
Comment: Has not been previously published as pathogenic or benign to our knowledge; Not observed in large population cohorts (Lek et al., 2016); In silico analysis, which includes protein predictors and evolutionary conservation, supports that this variant does not alter protein structure/function

NM_001378454.1(ALMS1):c.4978G>C (p.Val1660Leu)

Gene: ALMS1 (ALMS1 centrosome and basal body associated protein; plus strand). Cytogenetic location: 2p13.1.
Variant type: single nucleotide variant.
Coding change: c.4978G>C on transcript NM_001378454.1 (MANE Select); coding-DNA position 4978, G replaced by C.
Protein change: p.Val1660Leu; replaces valine 1660 with leucine.
Molecular consequence: missense variant.
Genome position (GRCh38, 1-based): chr2:73,451,505, G>C. VCF-style: chr2-73451505-G-C. GRCh37 (hg19) VCF-style: chr2-73678632-G-C.
Other names: c.4981G>C, p.Val1661Leu (NM_015120.4); short protein forms V1660L, V1661L.
Identifiers: ClinVar variation 1304772 (VCV001304772.2), dbSNP rs2103784697, ClinGen allele CA347279657.